The following is an entry in ClinVar:

ClinVar aggregate classification (germline): Likely benign. Review status: criteria provided, multiple submitters, no conflicts (2 of 4 stars). 2 submissions from 2 submitters: Likely benign (2). Last evaluated 2026-08-01.

Allele frequency attached by ClinVar (database versions not stated): TOPMed 0.00002; gnomAD 0.00003; gnomAD exomes 0.00006; ExAC 0.00009.
gnomAD v4.1: 92 of 1,614,054 alleles (0.0057%); highest among the groups gnomAD compares: South Asian, 0.044%; 1 homozygote.

Submissions (2):

CeGaT Center for Human Genetics Tuebingen
Classification: Likely benign. Last evaluated: 2026-08-01. Review status: criteria provided, single submitter. Criteria: CeGaT Center For Human Genetics Tuebingen Variant Classification Criteria Version 2. Collection method: clinical testing. Allele origin: germline. Affected: yes. Observed: 1 variant allele.
Comment: SON: BP4, BP7

Labcorp Genetics (formerly Invitae), Labcorp
Classification: Likely benign. Last evaluated: 2025-09-27. Review status: criteria provided, single submitter. Criteria: Invitae Variant Classification Sherloc (09022015). Collection method: clinical testing. Allele origin: germline.

NM_138927.4(SON):c.1488G>A (p.Ala496=)

Genes: MIR6501 (microRNA 6501; plus strand), SON (SON DNA and RNA binding protein; plus strand). Cytogenetic location: 21q22.11.
Variant type: single nucleotide variant.
Coding change: c.1488G>A on transcript NM_138927.4 (MANE Select); coding-DNA position 1488, G replaced by A.
Protein change: p.Ala496=; no amino-acid change (alanine 496 retained).
Molecular consequence: synonymous variant. On other transcripts: non-coding transcript variant (2), intron variant (1).
Genome position (GRCh38, 1-based): chr21:33,550,719, G>A. VCF-style: chr21-33550719-G-A. GRCh37 (hg19) VCF-style: chr21-34923025-G-A.
Other names: c.1488G>A, p.Ala496= (NM_001291411.2, NM_001412133.1, NM_032195.3 and 2 more transcripts); c.244+4340G>A (NM_001291412.3).
Identifiers: ClinVar variation 2182126 (VCV002182126.5), dbSNP rs771380863, ClinGen allele CA10008906.